The following is an entry in ClinVar:

NM_183381.3(RNF13):c.953T>G (p.Val318Gly)

Gene: RNF13 (ring finger protein 13; plus strand). Cytogenetic location: 3q25.1.
Variant type: single nucleotide variant.
Coding change: c.953T>G on transcript NM_183381.3 (MANE Select); coding-DNA position 953, T replaced by G.
Protein change: p.Val318Gly; replaces valine 318 with glycine.
Molecular consequence: missense variant. On other transcripts: non-coding transcript variant (1).
Genome position (GRCh38, 1-based): chr3:149,960,911, T>G. VCF-style: chr3-149960911-T-G. GRCh37 (hg19) VCF-style: chr3-149678698-T-G.
Other names: c.953T>G, p.Val318Gly (NM_001378285.1, NM_001378286.1, NM_007282.4); c.596T>G, p.Val199Gly (NM_001378287.1, NM_001378288.1, NM_001378289.1 and 2 more transcripts); c.560T>G, p.Val187Gly (NM_001378291.1); short protein forms V318G, V187G, V199G.
Identifiers: ClinVar variation 2071963 (VCV002071963.4), dbSNP rs2473635702, ClinGen allele CA354936029.

ClinVar aggregate classification (germline): Uncertain significance (1 of 4 stars; one submission).

Submission:

Labcorp Genetics (formerly Invitae), Labcorp
Classification: Uncertain significance. Last evaluated: 2022-01-03. Review status: criteria provided, single submitter. Criteria: Invitae Variant Classification Sherloc (09022015). Collection method: clinical testing. Allele origin: germline.
Comment: In summary, the available evidence is currently insufficient to determine the role of this variant in disease. Therefore, it has been classified as a Variant of Uncertain Significance. Algorithms developed to predict the effect of missense changes on protein structure and function (SIFT, PolyPhen-2, Align-GVGD) all suggest that this variant is likely to be tolerated. This variant has not been reported in the literature in individuals affected with RNF13-related conditions. This variant is not present in population databases (gnomAD no frequency). This sequence change replaces valine, which is neutral and non-polar, with glycine, which is neutral and non-polar, at codon 318 of the RNF13 protein (p.Val318Gly).